The following is an entry in ClinVar:

NM_001352754.2(ARMC9):c.444C>G (p.Phe148Leu)

Gene: ARMC9 (armadillo repeat containing 9; plus strand). Cytogenetic location: 2q37.1.
Variant type: single nucleotide variant.
Coding change: c.444C>G on transcript NM_001352754.2 (MANE Select); coding-DNA position 444, C replaced by G.
Protein change: p.Phe148Leu; replaces phenylalanine 148 with leucine.
Molecular consequence: missense variant. On other transcripts: non-coding transcript variant (1).
Genome position (GRCh38, 1-based): chr2:231,216,733, C>G. VCF-style: chr2-231216733-C-G. GRCh37 (hg19) VCF-style: chr2-232081446-C-G.
Other names: c.444C>G, p.Phe148Leu (NM_001271466.4, NM_001291656.2, NM_001352755.2 and 5 more transcripts); short protein forms F148L.
Identifiers: ClinVar variation 1715197 (VCV001715197.5), dbSNP rs2469606852, ClinGen allele CA350947152.

ClinVar aggregate classification (germline): Uncertain significance (1 of 4 stars; one submission).

Submission:

Labcorp Genetics (formerly Invitae), Labcorp
Classification: Uncertain significance. Last evaluated: 2024-10-24. Review status: criteria provided, single submitter. Criteria: Invitae Variant Classification Sherloc (09022015). Collection method: clinical testing. Allele origin: germline.
Comment: This sequence change replaces phenylalanine, which is neutral and non-polar, with leucine, which is neutral and non-polar, at codon 148 of the ARMC9 protein (p.Phe148Leu). This variant is not present in population databases (gnomAD no frequency). This variant has not been reported in the literature in individuals affected with ARMC9-related conditions. ClinVar contains an entry for this variant (Variation ID: 1715197). Experimental studies and prediction algorithms are not available or were not evaluated, and the functional significance of this variant is currently unknown. In summary, the available evidence is currently insufficient to determine the role of this variant in disease. Therefore, it has been classified as a Variant of Uncertain Significance.